The following is an entry in ClinVar:

ClinVar aggregate classification (germline): Uncertain significance. Review status: criteria provided, multiple submitters, no conflicts (2 of 4 stars). 2 submissions from 2 submitters: Uncertain significance (2). Last evaluated 2025-06-23.

Conditions:
Tumor predisposition syndrome 3 (TPDS3). Also called: Glioma susceptibility 9; LONG TELOMERE SYNDROME, POT1-RELATED; POT1 Tumor Predisposition; Melanoma, cutaneous malignant, susceptibility to, 10. Identifiers: Orphanet 618, MedGen C4014476, MONDO:0014368, OMIM 615848.
Hereditary cancer-predisposing syndrome. Also called: Hereditary Cancer Syndrome; Neoplastic Syndromes, Hereditary; Hereditary neoplastic syndrome; Tumor predisposition. Identifiers: Orphanet 140162, MedGen C0027672, MeSH D009386, MONDO:0015356.

Allele frequency attached by ClinVar (database versions not stated): gnomAD exomes below 0.00001; ExAC 0.00001.
gnomAD v4.1: 17 of 1,584,880 alleles (0.0011%); highest among the groups gnomAD compares: South Asian, 0.0023%; no homozygotes.

Submissions (2):

Ambry Genetics
Classification: Uncertain significance for Hereditary cancer-predisposing syndrome. Last evaluated: 2025-06-23. Review status: criteria provided, single submitter. Criteria: Ambry Variant Classification Scheme 2023. Collection method: clinical testing. Allele origin: germline.
Comment: The p.P601L variant (also known as c.1802C>T), located in coding exon 15 of the POT1 gene, results from a C to T substitution at nucleotide position 1802. The proline at codon 601 is replaced by leucine, an amino acid with similar properties. This variant was described as a presumed germline finding in 1/3323 consecutive patients who had clinical testing for variants associated with hematologic malignancies (Lim TL et al. Leukemia, 2022 Jan;36:283-287). This amino acid position is highly conserved in available vertebrate species. In addition, this alteration is predicted to be deleterious by in silico analysis. Since supporting evidence is limited at this time, the clinical significance of this alteration remains unclear.

Labcorp Genetics (formerly Invitae), Labcorp
Classification: Uncertain significance for Tumor predisposition syndrome 3. Last evaluated: 2025-03-31. Review status: criteria provided, single submitter. Criteria: Invitae Variant Classification Sherloc (09022015). Collection method: clinical testing. Allele origin: germline.
Comment: This sequence change replaces proline, which is neutral and non-polar, with leucine, which is neutral and non-polar, at codon 601 of the POT1 protein (p.Pro601Leu). The frequency data for this variant in the population databases is considered unreliable, as metrics indicate poor data quality at this position in the gnomAD database. This variant has not been reported in the literature in individuals affected with POT1-related conditions. ClinVar contains an entry for this variant (Variation ID: 541855). Invitae Evidence Modeling of protein sequence and biophysical properties (such as structural, functional, and spatial information, amino acid conservation, physicochemical variation, residue mobility, and thermodynamic stability) indicates that this missense variant is not expected to disrupt POT1 protein function with a negative predictive value of 80%. In summary, the available evidence is currently insufficient to determine the role of this variant in disease. Therefore, it has been classified as a Variant of Uncertain Significance.

Literature cited by the submitters: PubMed 34193977 (cited by Ambry Genetics).

NM_015450.3(POT1):c.1802C>T (p.Pro601Leu)

Gene: POT1 (protection of telomeres 1; minus strand). Cytogenetic location: 7q31.33.
Variant type: single nucleotide variant.
Coding change: c.1802C>T on transcript NM_015450.3 (MANE Select); coding-DNA position 1802, C replaced by T.
Protein change: p.Pro601Leu; replaces proline 601 with leucine.
Molecular consequence: missense variant. On other transcripts: non-coding transcript variant (3).
Genome position (GRCh38, 1-based): chr7:124,824,065, G>A on the plus strand (C>T on the coding strand, the complement: POT1 is on the minus strand). VCF-style: chr7-124824065-G-A. GRCh37 (hg19) VCF-style: chr7-124464119-G-A.
Other names: c.1409C>T, p.Pro470Leu (NM_001042594.2); short protein forms P601L, P470L.
Identifiers: ClinVar variation 541855 (VCV000541855.15), dbSNP rs779050803, ClinGen allele CA4464964.